The following is an entry in ClinVar:

ClinVar aggregate classification (germline): Uncertain significance (1 of 4 stars; one submission).

gnomAD v4.1: 10 of 1,599,908 alleles (0.00063%); highest among the groups gnomAD compares: Middle Eastern, 0.018%; no homozygotes.

Submission:

Labcorp Genetics (formerly Invitae), Labcorp
Classification: Uncertain significance. Last evaluated: 2022-10-05. Review status: criteria provided, single submitter. Criteria: Invitae Variant Classification Sherloc (09022015). Collection method: clinical testing. Allele origin: germline.
Comment: Advanced modeling of protein sequence and biophysical properties (such as structural, functional, and spatial information, amino acid conservation, physicochemical variation, residue mobility, and thermodynamic stability) performed at Invitae indicates that this missense variant is not expected to disrupt KCNV2 protein function. In summary, the available evidence is currently insufficient to determine the role of this variant in disease. Therefore, it has been classified as a Variant of Uncertain Significance. ClinVar contains an entry for this variant (Variation ID: 1496015). This variant has not been reported in the literature in individuals affected with KCNV2-related conditions. This variant is not present in population databases (gnomAD no frequency). This sequence change replaces arginine, which is basic and polar, with glutamine, which is neutral and polar, at codon 213 of the KCNV2 protein (p.Arg213Gln).

NM_133497.4(KCNV2):c.638G>A (p.Arg213Gln)

Gene: KCNV2 (potassium voltage-gated channel modifier subfamily V member 2; plus strand). Cytogenetic location: 9p24.2.
Variant type: single nucleotide variant.
Coding change: c.638G>A on transcript NM_133497.4 (MANE Select); coding-DNA position 638, G replaced by A.
Protein change: p.Arg213Gln; replaces arginine 213 with glutamine.
Molecular consequence: missense variant.
Genome position (GRCh38, 1-based): chr9:2,718,377, G>A. VCF-style: chr9-2718377-G-A. GRCh37 (hg19) VCF-style: chr9-2718377-G-A.
Other names: short protein forms R213Q.
Identifiers: ClinVar variation 1496015 (VCV001496015.4), dbSNP rs776807664, ClinGen allele CA4965549.
Genomic context (GRCh38, chr9:2,718,377, plus strand): 5'-AGTACACGCCACGCTGCTGCCGCATCTGCTTCGAGGAGCGGCGCGACGAGCTGAGCGAAC[G>A]GCTCAAGATCCAGCACGAGCTGCGCGCGCAGGCGCAGGTCGAGGAGGCGGAGGAACTCTT-3'
Protein context (NP_598004.1, residues 203-223): FEERRDELSE[Arg213Gln]LKIQHELRAQ